The following is an entry in ClinVar:

NM_001099403.2(PRDM8):c.1229C>A (p.Ala410Asp)

Gene: PRDM8 (PR/SET domain 8; plus strand). Cytogenetic location: 4q21.21.
Variant type: single nucleotide variant.
Coding change: c.1229C>A on transcript NM_001099403.2 (MANE Select); coding-DNA position 1229, C replaced by A.
Protein change: p.Ala410Asp; replaces alanine 410 with aspartic acid.
Molecular consequence: missense variant.
Genome position (GRCh38, 1-based): chr4:80,202,691, C>A. VCF-style: chr4-80202691-C-A. GRCh37 (hg19) VCF-style: chr4-81123845-C-A.
Other names: c.1229C>A, p.Ala410Asp (NM_020226.4); short protein forms A410D.
Identifiers: ClinVar variation 2156267 (VCV002156267.4), dbSNP rs1738610630, ClinGen allele CA357399550.

ClinVar aggregate classification (germline): Uncertain significance (1 of 4 stars; one submission).

Conditions:
Early-onset Lafora body disease. Also called: Epilepsy, progressive myoclonic, 10. Identifiers: Orphanet 324290, MedGen C4225258, MONDO:0014717, OMIM 616640.

Allele frequency attached by ClinVar (database versions not stated): gnomAD 0.00001.
gnomAD v4.1: 41 of 1,379,320 alleles (0.003%); highest among the groups gnomAD compares: Non-Finnish European, 0.0036%; no homozygotes.

Submission:

Labcorp Genetics (formerly Invitae), Labcorp
Classification: Uncertain significance for Early-onset Lafora body disease. Last evaluated: 2022-06-27. Review status: criteria provided, single submitter. Criteria: Invitae Variant Classification Sherloc (09022015). Collection method: clinical testing. Allele origin: germline.
Comment: In summary, the available evidence is currently insufficient to determine the role of this variant in disease. Therefore, it has been classified as a Variant of Uncertain Significance. Algorithms developed to predict the effect of missense changes on protein structure and function are either unavailable or do not agree on the potential impact of this missense change (SIFT: "Deleterious"; PolyPhen-2: "Benign"; Align-GVGD: "Class C0"). This variant has not been reported in the literature in individuals affected with PRDM8-related conditions. This variant is not present in population databases (gnomAD no frequency). This sequence change replaces alanine, which is neutral and non-polar, with aspartic acid, which is acidic and polar, at codon 410 of the PRDM8 protein (p.Ala410Asp).